The following is an entry in ClinVar:

ClinVar aggregate classification (germline): Likely pathogenic (1 of 4 stars; one submission).

Conditions:
Hypogonadotropic hypogonadism 2 with or without anosmia (HH2). Also called: HYPOGONADOTROPIC HYPOGONADISM 2 WITHOUT ANOSMIA; FGFR1-Related GnRH Deficiency (Kallmann Syndrome 2); HYPOGONADOTROPIC HYPOGONADISM 2 WITH OR WITHOUT ANOSMIA, SUSCEPTIBILITY TO; HYPOGONADOTROPIC HYPOGONADISM 2 WITHOUT ANOSMIA, SUSCEPTIBILITY TO. Identifiers: Orphanet 478, MedGen C1563720, MONDO:0007844, OMIM 147950. Disease mechanism: loss of function.
Pfeiffer syndrome (ACS5). Also called: ACS V. Identifiers: Orphanet 710, MedGen C0220658, MONDO:0007043, OMIM 101600.

Submission:

Labcorp Genetics (formerly Invitae), Labcorp
Classification: Likely pathogenic for Pfeiffer syndrome; Hypogonadotropic hypogonadism 2 with or without anosmia. Last evaluated: 2023-07-19. Review status: criteria provided, single submitter. Criteria: Invitae Variant Classification Sherloc (09022015). Collection method: clinical testing. Allele origin: germline.
Comment: This variant, c.1791_1820del, results in the deletion of 10 amino acid(s) of the FGFR1 protein (p.Lys598_Val607del), but otherwise preserves the integrity of the reading frame. This variant is not present in population databases (gnomAD no frequency). This variant has been observed in individual(s) with hypogonadotropic hypogonadism (Invitae). In at least one individual the variant was observed to be de novo. Experimental studies and prediction algorithms are not available or were not evaluated, and the functional significance of this variant is currently unknown. This variant disrupts a region of the FGFR1 protein in which other variant(s) (p.Val607Met) have been observed in individuals with FGFR1-related conditions (PMID: 12627230). This suggests that this is a clinically significant region of the protein, and that variants that disrupt it are likely to be disease-causing. In summary, the currently available evidence indicates that the variant is pathogenic, but additional data are needed to prove that conclusively. Therefore, this variant has been classified as Likely Pathogenic.

Literature cited by the submitters: PubMed 12627230.

NM_023110.3(FGFR1):c.1791_1820del (p.Lys598_Val607del)

Gene: FGFR1 (fibroblast growth factor receptor 1; minus strand). Cytogenetic location: 8p11.23.
Variant type: Deletion.
Coding change: c.1791_1820del on transcript NM_023110.3 (MANE Select); coding-DNA positions 1791 to 1820, 30 bases deleted (CAAGGACCTGGTGTCCTGCGCCTACCAGGT).
Protein change: p.Lys598_Val607del.
Molecular consequence: inframe deletion. On other transcripts: inframe indel (1).
Genome position (GRCh38, 1-based): chr8:38,415,904-38,415,933, ACCTGGTAGGCGCAGGACACCAGGTCCTTG deleted on the plus strand (CAAGGACCTGGTGTCCTGCGCCTACCAGGT on the coding strand, the reverse complement: FGFR1 is on the minus strand). VCF-style (leftmost placement, unchanged base first): chr8-38415903-CACCTGGTAGGCGCAGGACACCAGGTCCTTG-C. GRCh37 (hg19) VCF-style: chr8-38273421-CACCTGGTAGGCGCAGGACACCAGGTCCTTG-C.
Other names: c.1791_1820del30, p.Lys598_Val607del (NM_000604.2); c.1785_1814del, p.Lys596_Val605del (NM_001174063.2, NM_001174065.2, NM_001354367.2 and 1 more transcripts); c.1761_1790del, p.Lys588_Val597del (NM_001174064.2); c.1524_1553del, p.Lys509_Val518del (NM_001174066.2, NM_023105.3); c.1884_1913del, p.Lys629_Val638del (NM_001174067.2); c.1512_1541del, p.Lys505_Val514del (NM_001354368.2); c.1779_1808del, p.Lys594_Val603del (NM_001354369.2, NM_001410922.1); c.1518_1547del, p.Lys507_Val516del (NM_001354370.2, NM_023106.3).
Identifiers: ClinVar variation 2943353 (VCV002943353.3), dbSNP rs2536850855, ClinGen allele CA2740094994.